The following is an entry in ClinVar:

ClinVar aggregate classification (germline): Uncertain significance (1 of 4 stars; one submission).

gnomAD v4.1: 11 of 1,602,802 alleles (0.00069%); highest among the groups gnomAD compares: East Asian, 0.018%; no homozygotes.

Submission:

Labcorp Genetics (formerly Invitae), Labcorp
Classification: Uncertain significance. Last evaluated: 2024-08-09. Review status: criteria provided, single submitter. Criteria: Invitae Variant Classification Sherloc (09022015). Collection method: clinical testing. Allele origin: germline.
Comment: This sequence change replaces asparagine, which is neutral and polar, with serine, which is neutral and polar, at codon 271 of the ACAN protein (p.Asn271Ser). This variant is present in population databases (rs754225607, gnomAD 0.03%). This variant has not been reported in the literature in individuals affected with ACAN-related conditions. Advanced modeling of protein sequence and biophysical properties (such as structural, functional, and spatial information, amino acid conservation, physicochemical variation, residue mobility, and thermodynamic stability) performed at Invitae indicates that this missense variant is not expected to disrupt ACAN protein function with a negative predictive value of 80%. In summary, the available evidence is currently insufficient to determine the role of this variant in disease. Therefore, it has been classified as a Variant of Uncertain Significance.

NM_001369268.1(ACAN):c.812A>G (p.Asn271Ser)

Gene: ACAN (aggrecan; plus strand). Cytogenetic location: 15q26.1.
Variant type: single nucleotide variant.
Coding change: c.812A>G on transcript NM_001369268.1 (MANE Select); coding-DNA position 812, A replaced by G.
Protein change: p.Asn271Ser; replaces asparagine 271 with serine.
Molecular consequence: missense variant.
Genome position (GRCh38, 1-based): chr15:88,843,409, A>G. VCF-style: chr15-88843409-A-G. GRCh37 (hg19) VCF-style: chr15-89386640-A-G.
Other names: c.812A>G, p.Asn271Ser (NM_001135.4, NM_001411096.1, NM_001411097.1 and 1 more transcripts); short protein forms N271S.
Identifiers: ClinVar variation 3620932 (VCV003620932.2).